The following is an entry in ClinVar:

ClinVar aggregate classification (germline): Conflicting classifications of pathogenicity. Review status: criteria provided, conflicting classifications (1 of 4 stars). 6 submissions from 6 submitters: Uncertain significance (5); Likely benign (1). Last evaluated 2025-11-12.

Conditions:
TTN-related disorder. Also called: TTN-related condition; TTN-related disease; TTN-related disorders.

Allele frequency attached by ClinVar (database versions not stated): gnomAD exomes 0.00001; ExAC 0.00002; gnomAD 0.00006; TOPMed 0.00011.
gnomAD v4.1: 26 of 1,613,214 alleles (0.0016%); highest among the groups gnomAD compares: Admixed American, 0.015%; no homozygotes.

Submissions (6):

PreventionGenetics, part of Exact Sciences
Classification: Uncertain significance for TTN-related condition. Last evaluated: 2025-11-12. Review status: criteria provided, single submitter. Criteria: ACMG Guidelines, 2015. Collection method: clinical testing. Allele origin: germline.
Comment: The TTN c.21521C>T variant is predicted to result in the amino acid substitution p.Ala7174Val. To our knowledge, this variant has not been reported in the literature. This variant is reported in 0.0018% of alleles in individuals of European (Non-Finnish) descent in gnomAD. At this time, the clinical significance of this variant is uncertain due to the absence of conclusive functional and genetic evidence.

Mayo Clinic Laboratories, Mayo Clinic
Classification: Uncertain significance. Last evaluated: 2025-09-17. Review status: criteria provided, single submitter. Criteria: ACMG Guidelines, 2015. Collection method: clinical testing. Allele origin: germline. Observed: 1 variant allele.
Comment: BP4_moderate

CeGaT Center for Human Genetics Tuebingen
Classification: Uncertain significance. Last evaluated: 2023-09-01. Review status: criteria provided, single submitter. Criteria: CeGaT Center For Human Genetics Tuebingen Variant Classification Criteria Version 2. Collection method: clinical testing. Allele origin: germline. Affected: yes. Observed: 1 variant allele.
Comment: TTN: PM2, BP4

Revvity Omics, Revvity
Classification: Uncertain significance. Last evaluated: 2020-04-27. Review status: criteria provided, single submitter. Criteria: ACMG Guidelines, 2015. Collection method: clinical testing. Allele origin: germline.

GeneDx
Classification: Likely benign. Last evaluated: 2018-03-22. Review status: criteria provided, single submitter. Criteria: GeneDx Variant Classification Process June 2021. Collection method: clinical testing. Allele origin: germline. Affected: yes.

Eurofins Ntd Llc (ga)
Classification: Uncertain significance. Last evaluated: 2016-09-27. Review status: criteria provided, single submitter. Criteria: EGL Classification Definitions 2015. Collection method: clinical testing. Allele origin: germline. Observed: 1 variant allele, 1 heterozygote.

NM_001267550.2(TTN):c.21521C>T (p.Ala7174Val)

Gene: TTN (titin; minus strand). Cytogenetic location: 2q31.2.
Variant type: single nucleotide variant.
Coding change: c.21521C>T on transcript NM_001267550.2 (MANE Select); coding-DNA position 21521, C replaced by T.
Protein change: p.Ala7174Val; replaces alanine 7174 with valine.
Molecular consequence: missense variant. On other transcripts: intron variant (3).
Genome position (GRCh38, 1-based): chr2:178,723,579, G>A on the plus strand (C>T on the coding strand, the complement: TTN is on the minus strand). VCF-style: chr2-178723579-G-A. GRCh37 (hg19) VCF-style: chr2-179588306-G-A.
Other names: p.A6857V:GCC>GTC; p.Ala5930Val; c.20570C>T, p.Ala6857Val (NM_001256850.1); c.17789C>T, p.Ala5930Val (NM_133378.4); c.13282+14503C>T (NM_003319.4); c.13858+14503C>T (NM_133437.4); c.13657+14503C>T (NM_133432.3); short protein forms A6857V, A7174V, A5930V.
Identifiers: ClinVar variation 203297 (VCV000203297.36), dbSNP rs764832849, ClinGen allele CA311959.